The following is an entry in ClinVar:

ClinVar aggregate classification (germline): Uncertain significance. Review status: criteria provided, multiple submitters, no conflicts (2 of 4 stars). 2 submissions from 2 submitters: Uncertain significance (2). Last evaluated 2025-05-21.

Conditions:
Inborn genetic diseases. Identifiers: MedGen C0950123, MeSH D030342.

Allele frequency attached by ClinVar (database versions not stated): gnomAD exomes below 0.00001; ExAC 0.00001; gnomAD 0.00001; TOPMed 0.00002.
gnomAD v4.1: 9 of 1,613,576 alleles (0.00056%); highest among the groups gnomAD compares: Middle Eastern, 0.016%; no homozygotes.

Submissions (2):

Labcorp Genetics (formerly Invitae), Labcorp
Classification: Uncertain significance. Last evaluated: 2025-05-21. Review status: criteria provided, single submitter. Criteria: Invitae Variant Classification Sherloc (09022015). Collection method: clinical testing. Allele origin: germline.
Comment: This sequence change replaces proline, which is neutral and non-polar, with leucine, which is neutral and non-polar, at codon 510 of the COL7A1 protein (p.Pro510Leu). This variant is present in population databases (rs200313202, gnomAD 0.0009%). This variant has not been reported in the literature in individuals affected with COL7A1-related conditions. ClinVar contains an entry for this variant (Variation ID: 1413159). Invitae Evidence Modeling of protein sequence and biophysical properties (such as structural, functional, and spatial information, amino acid conservation, physicochemical variation, residue mobility, and thermodynamic stability) indicates that this missense variant is not expected to disrupt COL7A1 protein function with a negative predictive value of 95%. In summary, the available evidence is currently insufficient to determine the role of this variant in disease. Therefore, it has been classified as a Variant of Uncertain Significance.

Ambry Genetics
Classification: Uncertain significance for Inborn genetic diseases. Last evaluated: 2025-05-17. Review status: criteria provided, single submitter. Criteria: Ambry Variant Classification Scheme 2023. Collection method: clinical testing. Allele origin: germline.

NM_000094.4(COL7A1):c.1529C>T (p.Pro510Leu)

Gene: COL7A1 (collagen type VII alpha 1 chain; minus strand). Cytogenetic location: 3p21.31.
Variant type: single nucleotide variant.
Coding change: c.1529C>T on transcript NM_000094.4 (MANE Select); coding-DNA position 1529, C replaced by T.
Protein change: p.Pro510Leu; replaces proline 510 with leucine.
Molecular consequence: missense variant.
Genome position (GRCh38, 1-based): chr3:48,591,571, G>A on the plus strand (C>T on the coding strand, the complement: COL7A1 is on the minus strand). VCF-style: chr3-48591571-G-A. GRCh37 (hg19) VCF-style: chr3-48629004-G-A.
Other names: c.1529C>T (NM_000094.3); short protein forms P510L.
Identifiers: ClinVar variation 1413159 (VCV001413159.7), dbSNP rs200313202, ClinGen allele CA2381182.